The following is an entry in ClinVar:

NM_000548.5(TSC2):c.2828G>A (p.Arg943Lys)

Gene: TSC2 (TSC complex subunit 2; plus strand). Cytogenetic location: 16p13.3.
Variant type: single nucleotide variant.
Coding change: c.2828G>A on transcript NM_000548.5 (MANE Select); coding-DNA position 2828, G replaced by A.
Protein change: p.Arg943Lys; replaces arginine 943 with lysine.
Molecular consequence: missense variant.
Genome position (GRCh38, 1-based): chr16:2,076,576, G>A. VCF-style: chr16-2076576-G-A. GRCh37 (hg19) VCF-style: chr16-2126577-G-A.
Other names: c.2828G>A, p.Arg943Lys (NM_001077183.3, NM_001114382.3, NM_001363528.2 and 3 more transcripts); c.2717G>A, p.Arg906Lys (NM_001318827.2); c.2681G>A, p.Arg894Lys (NM_001318829.2); c.2228G>A, p.Arg743Lys (NM_001318831.2); c.2861G>A, p.Arg954Lys (NM_001318832.2); c.2828G>A (NM_000548.3); short protein forms R954K, R743K, R906K, R943K, R894K.
Identifiers: ClinVar variation 1492417 (VCV001492417.7), dbSNP rs1447031509, ClinGen allele CA394280217.

ClinVar aggregate classification (germline): Uncertain significance. Review status: criteria provided, multiple submitters, no conflicts (2 of 4 stars). 2 submissions from 2 submitters: Uncertain significance (2). Last evaluated 2023-11-26.

Conditions:
Tuberous sclerosis 2 (TSC2). Identifiers: Orphanet 805, MedGen C1860707, MONDO:0013199, OMIM 613254.

Allele frequency attached by ClinVar (database versions not stated): TOPMed below 0.00001; gnomAD 0.00001.
gnomAD v4.1: 1 of 1,613,210 alleles (0.000062%); highest among the groups gnomAD compares: Non-Finnish European, 0.000085%; no homozygotes.

Submissions (2):

GeneDx
Classification: Uncertain significance. Last evaluated: 2023-11-26. Review status: criteria provided, single submitter. Criteria: GeneDx Variant Classification Process June 2021. Collection method: clinical testing. Allele origin: germline. Affected: yes.
Comment: Not observed at significant frequency in large population cohorts (gnomAD); In silico analysis supports that this missense variant does not alter protein structure/function; Has not been previously published as pathogenic or benign to our knowledge

Labcorp Genetics (formerly Invitae), Labcorp
Classification: Uncertain significance for Tuberous sclerosis 2. Last evaluated: 2022-05-11. Review status: criteria provided, single submitter. Criteria: Invitae Variant Classification Sherloc (09022015). Collection method: clinical testing. Allele origin: germline.
Comment: This sequence change replaces arginine, which is basic and polar, with lysine, which is basic and polar, at codon 943 of the TSC2 protein (p.Arg943Lys). This variant is not present in population databases (gnomAD no frequency). This variant has not been reported in the literature in individuals affected with TSC2-related conditions. Advanced modeling of protein sequence and biophysical properties (such as structural, functional, and spatial information, amino acid conservation, physicochemical variation, residue mobility, and thermodynamic stability) performed at Invitae indicates that this missense variant is not expected to disrupt TSC2 protein function. In summary, the available evidence is currently insufficient to determine the role of this variant in disease. Therefore, it has been classified as a Variant of Uncertain Significance.